The following is an entry in ClinVar:

ClinVar aggregate classification (germline): Uncertain significance (0 of 4 stars; one submission).

Conditions:
SETD2-related disorder.

Submission:

PreventionGenetics, part of Exact Sciences
Classification: Uncertain significance for SETD2-related condition. Last evaluated: 2023-11-21. Review status: no assertion criteria provided. Collection method: clinical testing. Allele origin: germline.
Comment: The SETD2 c.4015_4017delGAG variant is predicted to result in an in-frame deletion (p.Glu1339del). To our knowledge, this variant has not been reported in the literature. This variant is reported in 0.0033% of alleles in individuals of South Asian descent in gnomAD. At this time, the clinical significance of this variant is uncertain due to the absence of conclusive functional and genetic evidence.

NM_014159.7(SETD2):c.4012GAG[1] (p.Glu1339del)

Gene: SETD2 (SET domain containing 2, histone lysine methyltransferase; minus strand). Cytogenetic location: 3p21.31.
Variant type: Microsatellite.
Coding change: c.4012GAG[1] on transcript NM_014159.7 (MANE Select); one copy of the 3-base unit GAG starting at c.4012; the reference has two copies in a row; one copy, 3 bases deleted.
Protein change: p.Glu1339del; deletes glutamic acid 1339.
Molecular consequence: inframe indel (on NM_014159.6). On other transcripts: non-coding transcript variant (1).
Genome position (GRCh38, 1-based): chr3:47,120,619-47,120,621, CTC deleted on the plus strand (GAG on the coding strand, the reverse complement: SETD2 is on the minus strand); deleting any 3 consecutive bases within chr3:47,120,619-47,120,624 gives the same sequence; the position shown is the placement nearest the transcript's 3' end. VCF-style (leftmost placement, unchanged base first): chr3-47120618-TCTC-T. GRCh37 (hg19) VCF-style: chr3-47162108-TCTC-T.
Other names: c.3880GAG[1], p.Glu1295del (NM_001349370.3); c.4012_4014GAG[1], p.Glu1339del (NM_014159.6); c.4015_4017delGAG (NM_014159.6); short protein forms E1295del, E1339del.
Identifiers: ClinVar variation 3039723 (VCV003039723.2), dbSNP rs1314839067, ClinGen allele CA543042851.